The following is an entry in ClinVar:

NM_144670.6(A2ML1):c.2294C>T (p.Ala765Val)

Gene: A2ML1 (alpha-2-macroglobulin like 1; plus strand). Cytogenetic location: 12p13.31.
Variant type: single nucleotide variant.
Coding change: c.2294C>T on transcript NM_144670.6 (MANE Select); coding-DNA position 2294, C replaced by T.
Protein change: p.Ala765Val; replaces alanine 765 with valine.
Molecular consequence: missense variant.
Genome position (GRCh38, 1-based): chr12:8,851,843, C>T. VCF-style: chr12-8851843-C-T. GRCh37 (hg19) VCF-style: chr12-9004439-C-T.
Other names: c.821C>T, p.Ala274Val (NM_001282424.3); c.2294C>T (NM_144670.5); short protein forms A274V, A765V.
Identifiers: ClinVar variation 1418623 (VCV001418623.9), dbSNP rs370203983, ClinGen allele CA6435982.

ClinVar aggregate classification (germline): Uncertain significance. Review status: criteria provided, multiple submitters, no conflicts (2 of 4 stars). 2 submissions from 2 submitters: Uncertain significance (2). Last evaluated 2026-01-13.

Conditions:
A2ML1-related disorder. Also called: A2ML1-related condition.

Allele frequency attached by ClinVar (database versions not stated): gnomAD exomes 0.00003 and 0.00004; ExAC 0.00004; TOPMed 0.00012; gnomAD 0.00013 and 0.00014; 1000 Genomes Project 30x 0.00016; ESP Exome Variant Server 0.00016; 1000 Genomes Project 0.00020.
gnomAD v4.1: 67 of 1,614,224 alleles (0.0042%); highest among the groups gnomAD compares: Middle Eastern, 0.033%; no homozygotes.

Submissions (2):

Labcorp Genetics (formerly Invitae), Labcorp
Classification: Uncertain significance. Last evaluated: 2026-01-13. Review status: criteria provided, single submitter. Criteria: Invitae Variant Classification Sherloc (09022015). Collection method: clinical testing. Allele origin: germline.
Comment: This sequence change replaces alanine, which is neutral and non-polar, with valine, which is neutral and non-polar, at codon 765 of the A2ML1 protein (p.Ala765Val). This variant is present in population databases (rs370203983, gnomAD 0.03%). This variant has not been reported in the literature in individuals affected with A2ML1-related conditions. ClinVar contains an entry for this variant (Variation ID: 1418623). An algorithm developed to predict the effect of missense changes on protein structure and function (PolyPhen-2) suggests that this variant is likely to be disruptive. Algorithms developed to predict the effect of sequence changes on RNA splicing suggest that this variant may create or strengthen a splice site. In summary, the available evidence is currently insufficient to determine the role of this variant in disease. Therefore, it has been classified as a Variant of Uncertain Significance.

PreventionGenetics, part of Exact Sciences
Classification: Uncertain significance for A2ML1-related condition. Last evaluated: 2025-08-28. Review status: criteria provided, single submitter. Criteria: ACMG Guidelines, 2015. Collection method: clinical testing. Allele origin: germline.
Comment: The A2ML1 c.2294C>T variant is predicted to result in the amino acid substitution p.Ala765Val. To our knowledge, this variant has not been reported in the literature. This variant is reported in 0.029% of alleles in individuals of African descent in gnomAD. Although we suspect that this variant may be benign, at this time, the clinical significance of this variant is uncertain due to the absence of conclusive functional and genetic evidence.